The following is an entry in ClinVar:

ClinVar aggregate classification (germline): Uncertain significance (1 of 4 stars; one submission).

Conditions:
Hypertrophic cardiomyopathy. Also called: HYPERTROPHIC MYOCARDIOPATHY. Identifiers: Orphanet 217569, MedGen C0007194, MeSH D002312, MONDO:0005045, HP:0001639.

Submission:

Labcorp Genetics (formerly Invitae), Labcorp
Classification: Uncertain significance for Hypertrophic cardiomyopathy. Last evaluated: 2019-05-21. Review status: criteria provided, single submitter. Criteria: Invitae Variant Classification Sherloc (09022015). Collection method: clinical testing. Allele origin: germline.
Comment: This sequence change replaces glutamine with proline at codon 791 of the MYH7 protein (p.Gln791Pro). The glutamine residue is highly conserved and there is a moderate physicochemical difference between glutamine and proline. This variant is not present in population databases (ExAC no frequency). This variant has not been reported in the literature in individuals with MYH7-related conditions. Algorithms developed to predict the effect of missense changes on protein structure and function are either unavailable or do not agree on the potential impact of this missense change (SIFT: "Deleterious"; PolyPhen-2: "Benign"; Align-GVGD: "Class C65"). In summary, the available evidence is currently insufficient to determine the role of this variant in disease. Therefore, it has been classified as a Variant of Uncertain Significance.

NM_000257.4(MYH7):c.2372A>C (p.Gln791Pro)

Genes: MYH7 (myosin heavy chain 7; minus strand), LOC126861898 (BRD4-independent group 4 enhancer GRCh37_chr14:23893609-23894808; plus strand). Cytogenetic location: 14q11.2.
Variant type: single nucleotide variant.
Coding change: c.2372A>C on transcript NM_000257.4 (MANE Select); coding-DNA position 2372, A replaced by C.
Protein change: p.Gln791Pro; replaces glutamine 791 with proline.
Molecular consequence: missense variant.
Genome position (GRCh38, 1-based): chr14:23,425,333, T>G on the plus strand (A>C on the coding strand, the complement: MYH7 is on the minus strand). VCF-style: chr14-23425333-T-G. GRCh37 (hg19) VCF-style: chr14-23894542-T-G.
Other names: short protein forms Q791P.
Identifiers: ClinVar variation 850134 (VCV000850134.10), dbSNP rs1892650858, ClinGen allele CA389048553.